The following is an entry in ClinVar:

NM_018006.5(TRMU):c.1219C>T (p.Pro407Ser)

Gene: TRMU (tRNA mitochondrial 2-thiouridylase; plus strand). Cytogenetic location: 22q13.31.
Variant type: single nucleotide variant.
Coding change: c.1219C>T on transcript NM_018006.5 (MANE Select); coding-DNA position 1219, C replaced by T.
Protein change: p.Pro407Ser; replaces proline 407 with serine.
Molecular consequence: missense variant. On other transcripts: 3 prime UTR variant (2), non-coding transcript variant (2).
Genome position (GRCh38, 1-based): chr22:46,356,959, C>T. VCF-style: chr22-46356959-C-T. GRCh37 (hg19) VCF-style: chr22-46752856-C-T.
Other names: c.877C>T, p.Pro293Ser (NM_001282782.2); c.799C>T, p.Pro267Ser (NM_001282783.2); c.*5C>T (NM_001282784.2, NM_001282785.2); short protein forms P267S, P293S, P407S.
Identifiers: ClinVar variation 3899747 (VCV003899747.1).
Genomic context (GRCh38, chr22:46,356,959, plus strand): 5'-GGGCCGTCTGCCTACACGCTCCAGAAGGGCCAGCGCAGAGCTGGGATGGCCACTGAGAGC[C>T]CCAGTGACAGCCCAGAAGATGGTCCAGGCCTGAGTCCCTTGCTCTGACAGAGATGGATCT-3'
Protein context (NP_060476.2, residues 397-417): QRRAGMATES[Pro407Ser]SDSPEDGPGL

ClinVar aggregate classification (germline): Uncertain significance (1 of 4 stars; one submission).

Submission:

GeneDx
Classification: Uncertain significance. Last evaluated: 2024-11-19. Review status: criteria provided, single submitter. Criteria: GeneDx Variant Classification Process June 2021. Collection method: clinical testing. Allele origin: germline. Affected: yes.
Comment: Not observed at significant frequency in large population cohorts (gnomAD); In silico analysis indicates that this missense variant does not alter protein structure/function; Has not been previously published as pathogenic or benign to our knowledge